The following is an entry in ClinVar:

ClinVar aggregate classification (germline): Uncertain significance. Review status: criteria provided, multiple submitters, no conflicts (2 of 4 stars). 3 submissions from 3 submitters: Uncertain significance (3). Last evaluated 2025-12-24.

Conditions:
Inborn genetic diseases. Identifiers: MedGen C0950123, MeSH D030342.

Allele frequency attached by ClinVar (database versions not stated): gnomAD 0.00007; gnomAD exomes 0.00008; TOPMed 0.00008; ExAC 0.00012; ESP Exome Variant Server 0.00015.

Submissions (3):

Labcorp Genetics (formerly Invitae), Labcorp
Classification: Uncertain significance. Last evaluated: 2025-12-24. Review status: criteria provided, single submitter. Criteria: Invitae Variant Classification Sherloc (09022015). Collection method: clinical testing. Allele origin: germline.
Comment: This sequence change replaces arginine, which is basic and polar, with glutamine, which is neutral and polar, at codon 82 of the PKD1L1 protein (p.Arg82Gln). This variant is present in population databases (rs150237624, gnomAD 0.06%). This variant has not been reported in the literature in individuals affected with PKD1L1-related conditions. ClinVar contains an entry for this variant (Variation ID: 2395976). An algorithm developed to predict the effect of missense changes on protein structure and function outputs the following: PolyPhen-2: "Benign". The glutamine amino acid residue is found in multiple mammalian species, which suggests that this missense change does not adversely affect protein function. In summary, the available evidence is currently insufficient to determine the role of this variant in disease. Therefore, it has been classified as a Variant of Uncertain Significance.

Blueprint Genetics
Classification: Uncertain significance. Last evaluated: 2024-09-02. Review status: criteria provided, single submitter. Criteria: ACMG Guidelines, 2015. Collection method: clinical testing. Allele origin: germline.

Ambry Genetics
Classification: Uncertain significance for Inborn genetic diseases. Last evaluated: 2024-03-08. Review status: criteria provided, single submitter. Criteria: Ambry Variant Classification Scheme 2023. Collection method: clinical testing. Allele origin: germline.

NM_138295.5(PKD1L1):c.245G>A (p.Arg82Gln)

Gene: PKD1L1 (polycystin 1 like 1, transient receptor potential channel interacting; minus strand). Cytogenetic location: 7p12.3.
Variant type: single nucleotide variant.
Coding change: c.245G>A on transcript NM_138295.5 (MANE Select); coding-DNA position 245, G replaced by A.
Protein change: p.Arg82Gln; replaces arginine 82 with glutamine.
Molecular consequence: missense variant.
Genome position (GRCh38, 1-based): chr7:47,940,233, C>T on the plus strand (G>A on the coding strand, the complement: PKD1L1 is on the minus strand). VCF-style: chr7-47940233-C-T. GRCh37 (hg19) VCF-style: chr7-47979830-C-T.
Other names: short protein forms R82Q.
Identifiers: ClinVar variation 2395976 (VCV002395976.4), dbSNP rs150237624, ClinGen allele CA4254427.